The following is an entry in ClinVar:

NM_001371623.1(TCOF1):c.802G>T (p.Glu268Ter)

Gene: TCOF1 (treacle ribosome biogenesis factor 1; plus strand). Cytogenetic location: 5q32.
Variant type: single nucleotide variant.
Coding change: c.802G>T on transcript NM_001371623.1 (MANE Select); coding-DNA position 802, G replaced by T.
Protein change: p.Glu268Ter; replaces glutamic acid 268 with a stop codon.
Molecular consequence: nonsense. On other transcripts: intron variant (2).
Genome position (GRCh38, 1-based): chr5:150,372,168, G>T. VCF-style: chr5-150372168-G-T. GRCh37 (hg19) VCF-style: chr5-149751731-G-T.
Other names: c.802G>T, p.Glu268Ter (NM_001008657.3, NM_001135243.2, NM_001135244.2 and 1 more transcripts); c.640-2006G>T (NM_001135245.2, NM_000356.4); short protein forms E268*.
Identifiers: ClinVar variation 489068 (VCV000489068.3), dbSNP rs377241141, ClinGen allele CA3510666.
Genomic context (GRCh38, chr5:150,372,168, plus strand): 5'-GTGACACCCCAGGTCAAAGGAGGGGCCCTGCCCCCAGCCAAGAGGGCCAAGAAGCCAGAA[G>T]AGGAGTCAGAGAGTAGTGAGGAGGGATCTGAAAGTGAGGAGGAGGCCCCTGCAGGGACAC-3'

ClinVar aggregate classification (germline): Likely pathogenic. Review status: criteria provided, multiple submitters, no conflicts (2 of 4 stars). 2 submissions from 2 submitters: Likely pathogenic (2). Last evaluated 2022-05-27.

Allele frequency attached by ClinVar (database versions not stated): gnomAD 0.00001; TOPMed 0.00001; gnomAD exomes 0.00002; ExAC 0.00003; ESP Exome Variant Server 0.00008.
gnomAD v4.1: 10 of 1,614,090 alleles (0.00062%); highest among the groups gnomAD compares: East Asian, 0.0022%; no homozygotes.

Submissions (2):

Clinical Genetics Laboratory, Skane University Hospital Lund
Classification: Likely pathogenic. Last evaluated: 2022-05-27. Review status: criteria provided, single submitter. Criteria: ACMG Guidelines, 2015. Collection method: clinical testing. Allele origin: germline. Affected: yes.

GeneDx
Classification: Likely pathogenic. Last evaluated: 2017-10-24. Review status: criteria provided, single submitter. Criteria: GeneDx Variant Classification (06012015). Collection method: clinical testing. Allele origin: germline. Affected: yes.
Comment: The E268X variant in the TCOF1 gene has not been reported previously as a pathogenic variant nor as a benign variant, to our knowledge. This variant is predicted to cause loss of normal protein function either through protein truncation or nonsense-mediated mRNA decay. The E268X variant is not observed at a significant frequency in large population cohorts (Lek et al., 2016). We interpret E268X as a likely pathogenic variant.